The following is an entry in ClinVar:

NM_002181.4(IHH):c.923G>T (p.Gly308Val)

Gene: IHH (Indian hedgehog signaling molecule; minus strand). Cytogenetic location: 2q35.
Variant type: single nucleotide variant.
Coding change: c.923G>T on transcript NM_002181.4 (MANE Select); coding-DNA position 923, G replaced by T.
Protein change: p.Gly308Val; replaces glycine 308 with valine.
Molecular consequence: missense variant.
Genome position (GRCh38, 1-based): chr2:219,055,520, C>A on the plus strand (G>T on the coding strand, the complement: IHH is on the minus strand). VCF-style: chr2-219055520-C-A. GRCh37 (hg19) VCF-style: chr2-219920242-C-A.
Other names: short protein forms G308V.
Identifiers: ClinVar variation 1368511 (VCV001368511.8), dbSNP rs1948822341, ClinGen allele CA350631150.

ClinVar aggregate classification (germline): Uncertain significance (1 of 4 stars; one submission).

Allele frequency attached by ClinVar (database versions not stated): gnomAD exomes below 0.00001.
gnomAD v4.1: 1 of 1,611,188 alleles (0.000062%); highest among the groups gnomAD compares: Non-Finnish European, 0.000085%; no homozygotes.

Submission:

Labcorp Genetics (formerly Invitae), Labcorp
Classification: Uncertain significance. Last evaluated: 2021-07-18. Review status: criteria provided, single submitter. Criteria: Invitae Variant Classification Sherloc (09022015). Collection method: clinical testing. Allele origin: germline.
Comment: This sequence change replaces glycine with valine at codon 308 of the IHH protein (p.Gly308Val). The glycine residue is moderately conserved and there is a moderate physicochemical difference between glycine and valine. This variant is not present in population databases (ExAC no frequency). This variant has not been reported in the literature in individuals affected with IHH-related conditions. Algorithms developed to predict the effect of missense changes on protein structure and function (SIFT, PolyPhen-2, Align-GVGD) all suggest that this variant is likely to be tolerated. In summary, the available evidence is currently insufficient to determine the role of this variant in disease. Therefore, it has been classified as a Variant of Uncertain Significance.